The following is an entry in ClinVar:

NM_032776.3(JMJD1C):c.835C>T (p.Arg279Cys)

Gene: JMJD1C (jumonji domain containing 1C; minus strand). Cytogenetic location: 10q21.3.
Variant type: single nucleotide variant.
Coding change: c.835C>T on transcript NM_032776.3 (MANE Select); coding-DNA position 835, C replaced by T.
Protein change: p.Arg279Cys; replaces arginine 279 with cysteine.
Molecular consequence: missense variant. On other transcripts: 5 prime UTR variant (1), non-coding transcript variant (1).
Genome position (GRCh38, 1-based): chr10:63,215,443, G>A on the plus strand (C>T on the coding strand, the complement: JMJD1C is on the minus strand). VCF-style: chr10-63215443-G-A. GRCh37 (hg19) VCF-style: chr10-64975203-G-A.
Other names: c.289C>T, p.Arg97Cys (NM_001282948.2, NM_001318154.2); c.-30C>T (NM_001318153.2); c.721C>T, p.Arg241Cys (NM_001322252.2); c.178C>T, p.Arg60Cys (NM_001322254.2, NM_001322258.2); short protein forms R279C, R241C, R60C, R97C.
Identifiers: ClinVar variation 1393869 (VCV001393869.6), dbSNP rs753421740, ClinGen allele CA5518928.

ClinVar aggregate classification (germline): Uncertain significance (1 of 4 stars; one submission).

Conditions:
Early Myoclonic Encephalopathy. Identifiers: MedGen C0270855.

Allele frequency attached by ClinVar (database versions not stated): ExAC 0.00002; TOPMed 0.00002; gnomAD exomes 0.00001.
gnomAD v4.1: 8 of 1,614,064 alleles (0.0005%); highest among the groups gnomAD compares: South Asian, 0.0022%; no homozygotes.

Submission:

Labcorp Genetics (formerly Invitae), Labcorp
Classification: Uncertain significance for Early Myoclonic Encephalopathy. Last evaluated: 2025-06-11. Review status: criteria provided, single submitter. Criteria: Invitae Variant Classification Sherloc (09022015). Collection method: clinical testing. Allele origin: germline.
Comment: This sequence change replaces arginine, which is basic and polar, with cysteine, which is neutral and slightly polar, at codon 279 of the JMJD1C protein (p.Arg279Cys). This variant is present in population databases (rs753421740, gnomAD 0.006%). This variant has not been reported in the literature in individuals affected with JMJD1C-related conditions. ClinVar contains an entry for this variant (Variation ID: 1393869). An algorithm developed to predict the effect of missense changes on protein structure and function (PolyPhen-2) suggests that this variant is likely to be disruptive. In summary, the available evidence is currently insufficient to determine the role of this variant in disease. Therefore, it has been classified as a Variant of Uncertain Significance.